The following is an entry in ClinVar:

NM_003748.4(ALDH4A1):c.712G>A (p.Ala238Thr)

Gene: ALDH4A1 (aldehyde dehydrogenase 4 family member A1; minus strand). Cytogenetic location: 1p36.13.
Variant type: single nucleotide variant.
Coding change: c.712G>A on transcript NM_003748.4 (MANE Select); coding-DNA position 712, G replaced by A.
Protein change: p.Ala238Thr; replaces alanine 238 with threonine.
Molecular consequence: missense variant.
Genome position (GRCh38, 1-based): chr1:18,881,854, C>T on the plus strand (G>A on the coding strand, the complement: ALDH4A1 is on the minus strand). VCF-style: chr1-18881854-C-T. GRCh37 (hg19) VCF-style: chr1-19208348-C-T.
Other names: c.712G>A (NM_003748.3); c.532G>A, p.Ala178Thr (NM_001161504.2); c.712G>A, p.Ala238Thr (NM_001319218.2, NM_170726.3); short protein forms A238T, A178T.
Identifiers: ClinVar variation 2172146 (VCV002172146.2), dbSNP rs771128483, ClinGen allele CA647219.

ClinVar aggregate classification (germline): Uncertain significance. Review status: criteria provided, multiple submitters, no conflicts (2 of 4 stars). 2 submissions from 2 submitters: Uncertain significance (2). Last evaluated 2024-01-16.

Conditions:
Hyperprolinemia type 2 (HYRPRO2). Also called: Delta-1-pyrroline-5-carboxylate dehydrogenase deficiency; Deficiency of pyrroline-5-carboxylate reductase; 1-PYRROLINE-5-CARBOXYLATE DEHYDROGENASE DEFICIENCY. Identifiers: Orphanet 79101, MedGen C2931835, MONDO:0009401, OMIM 239510.

Allele frequency attached by ClinVar (database versions not stated): ExAC 0.00001; gnomAD 0.00003; TOPMed 0.00004; gnomAD exomes 0.00011.

Submissions (2):

Ambry Genetics
Classification: Uncertain significance. Last evaluated: 2024-01-16. Review status: criteria provided, single submitter. Criteria: Ambry Variant Classification Scheme 2023. Collection method: clinical testing. Allele origin: germline.

Labcorp Genetics (formerly Invitae), Labcorp
Classification: Uncertain significance for Hyperprolinemia type 2. Last evaluated: 2022-03-14. Review status: criteria provided, single submitter. Criteria: Invitae Variant Classification Sherloc (09022015). Collection method: clinical testing. Allele origin: germline.
Comment: This sequence change replaces alanine, which is neutral and non-polar, with threonine, which is neutral and polar, at codon 238 of the ALDH4A1 protein (p.Ala238Thr). This variant is present in population databases (rs771128483, gnomAD 0.01%). This variant has not been reported in the literature in individuals affected with ALDH4A1-related conditions. Algorithms developed to predict the effect of missense changes on protein structure and function are either unavailable or do not agree on the potential impact of this missense change (SIFT: "Deleterious"; PolyPhen-2: "Probably Damaging"; Align-GVGD: "Class C0"). In summary, the available evidence is currently insufficient to determine the role of this variant in disease. Therefore, it has been classified as a Variant of Uncertain Significance.